The following is an entry in ClinVar:

NM_004588.5(SCN2B):c.539T>G (p.Val180Gly)

Gene: SCN2B (sodium voltage-gated channel beta subunit 2; minus strand). Cytogenetic location: 11q23.3.
Variant type: single nucleotide variant.
Coding change: c.539T>G on transcript NM_004588.5 (MANE Select); coding-DNA position 539, T replaced by G.
Protein change: p.Val180Gly; replaces valine 180 with glycine.
Molecular consequence: missense variant.
Genome position (GRCh38, 1-based): chr11:118,166,996, A>C on the plus strand (T>G on the coding strand, the complement: SCN2B is on the minus strand). VCF-style: chr11-118166996-A-C. GRCh37 (hg19) VCF-style: chr11-118037711-A-C.
Other names: short protein forms V180G.
Identifiers: ClinVar variation 2625024 (VCV002625024.2), dbSNP rs1948389268, ClinGen allele CA382783705.

ClinVar aggregate classification (germline): Uncertain significance (1 of 4 stars; one submission).

Conditions:
Cardiovascular phenotype. Identifiers: MedGen CN230736.

Submission:

Ambry Genetics
Classification: Uncertain significance for Cardiovascular phenotype. Last evaluated: 2023-09-22. Review status: criteria provided, single submitter. Criteria: Ambry Variant Classification Scheme 2023. Collection method: clinical testing. Allele origin: germline.
Comment: The p.V180G variant (also known as c.539T>G), located in coding exon 4 of the SCN2B gene, results from a T to G substitution at nucleotide position 539. The valine at codon 180 is replaced by glycine, an amino acid with dissimilar properties. This amino acid position is conserved. In addition, this alteration is predicted to be deleterious by in silico analysis. Since supporting evidence is limited at this time, the clinical significance of this alteration remains unclear.